The following is an entry in ClinVar:

ClinVar aggregate classification (germline): Pathogenic (1 of 4 stars; one submission).

Conditions:
Osteogenesis imperfecta type I (OI1). Also called: OI, TYPE I; OSTEOGENESIS IMPERFECTA TARDA; OSTEOGENESIS IMPERFECTA WITH BLUE SCLERAE; Osteogenesis imperfecta type 1; Lobstein disease; Lobstein's Disease. Identifiers: Orphanet 216796, Orphanet 666, MedGen C0023931, MONDO:0008146, OMIM 166200. Disease mechanism: loss of function.

Submission:

Labcorp Genetics (formerly Invitae), Labcorp
Classification: Pathogenic for Osteogenesis imperfecta type I. Last evaluated: 2023-08-17. Review status: criteria provided, single submitter. Criteria: Invitae Variant Classification Sherloc (09022015). Collection method: clinical testing. Allele origin: germline.
Comment: For these reasons, this variant has been classified as Pathogenic. ClinVar contains an entry for this variant (Variation ID: 2138069). This premature translational stop signal has been observed in individual(s) with osteogenesis imperfecta (PMID: 22753364). This variant is not present in population databases (gnomAD no frequency). This sequence change creates a premature translational stop signal (p.Val1057Argfs*9) in the COL1A1 gene. It is expected to result in an absent or disrupted protein product. Loss-of-function variants in COL1A1 are known to be pathogenic (PMID: 7942841, 9295084, 9443882).

Literature cited by the submitters: PubMed 22753364; PubMed 7942841; PubMed 9295084; PubMed 9443882.

NM_000088.4(COL1A1):c.3168dup (p.Val1057fs)

Gene: COL1A1 (collagen type I alpha 1 chain; minus strand). Cytogenetic location: 17q21.33.
Variant type: Duplication.
Coding change: c.3168dup on transcript NM_000088.4 (MANE Select); coding-DNA position 3168, one base duplicated (C; older notation c.3168dupC).
Protein change: p.Val1057fs; shifts the reading frame from valine 1057.
Molecular consequence: frameshift variant.
Genome position (GRCh38, 1-based): chr17:50,188,569, G duplicated on the plus strand (C on the coding strand, the reverse complement: COL1A1 is on the minus strand); the first of 4 consecutive G bases (chr17:50,188,569-50,188,572); duplicating any one gives the same sequence. VCF-style (leftmost placement, unchanged base first): chr17-50188568-C-CG. GRCh37 (hg19) VCF-style: chr17-48265929-C-CG.
Other names: short protein forms V1057fs.
Identifiers: ClinVar variation 2138069 (VCV002138069.4), dbSNP rs1555572254, ClinGen allele CA2580094226.